The following is an entry in ClinVar:

NM_001903.5(CTNNA1):c.1501G>T (p.Ala501Ser)

Gene: CTNNA1 (catenin alpha 1; plus strand). Cytogenetic location: 5q31.2.
Variant type: single nucleotide variant.
Coding change: c.1501G>T on transcript NM_001903.5 (MANE Select); coding-DNA position 1501, G replaced by T.
Protein change: p.Ala501Ser; replaces alanine 501 with serine.
Molecular consequence: missense variant.
Genome position (GRCh38, 1-based): chr5:138,917,853, G>T. VCF-style: chr5-138917853-G-T. GRCh37 (hg19) VCF-style: chr5-138253542-G-T.
Other names: c.52G>T, p.Ala18Ser (NM_001324010.1, NM_001324006.1, NM_001324007.1 and 2 more transcripts); c.298G>T, p.Ala100Ser (NM_001324011.1); c.148G>T, p.Ala50Ser (NM_001324012.1, NM_001324013.1); c.1501G>T, p.Ala501Ser (NM_001290307.3, NM_001323982.2, NM_001323983.1 and 2 more transcripts); c.1192G>T, p.Ala398Ser (NM_001290309.3); c.1132G>T, p.Ala378Ser (NM_001290310.3); c.391G>T, p.Ala131Ser (NM_001290312.1, NM_001323987.1, NM_001323988.1 and 17 more transcripts); c.1408G>T, p.Ala470Ser (NM_001323986.2); short protein forms A131S, A18S, A501S, A100S, A378S, A50S, A398S, A470S.
Identifiers: ClinVar variation 4007966 (VCV004007966.1).
Genomic context (GRCh38, chr5:138,917,853, plus strand): 5'-CAAGAGAACATGGATCTTTTTAAAGAACAATGGGAAAAACAAGTCCGTGTTCTCACAGAT[G>T]CTGTCGATGACATTACTTCCATTGATGACTTCTTGGCTGTCTCAGGTAATGAGCTGGTTC-3'
Protein context (NP_001894.2, residues 491-511): WEKQVRVLTD[Ala501Ser]VDDITSIDDF

ClinVar aggregate classification (germline): Uncertain significance (1 of 4 stars; one submission).

Conditions:
Hereditary cancer-predisposing syndrome. Also called: Tumor predisposition; Hereditary neoplastic syndrome; Neoplastic Syndromes, Hereditary; Hereditary Cancer Syndrome. Identifiers: Orphanet 140162, MedGen C0027672, MeSH D009386, MONDO:0015356.

Submission:

Ambry Genetics
Classification: Uncertain significance for Hereditary cancer-predisposing syndrome. Last evaluated: 2025-03-28. Review status: criteria provided, single submitter. Criteria: Ambry Variant Classification Scheme 2023. Collection method: clinical testing. Allele origin: germline.
Comment: The p.A501S variant (also known as c.1501G>T), located in coding exon 10 of the CTNNA1 gene, results from a G to T substitution at nucleotide position 1501. The alanine at codon 501 is replaced by serine, an amino acid with similar properties. This amino acid position is conserved. In addition, the in silico prediction for this alteration is inconclusive. Based on the available evidence, the clinical significance of this variant remains unclear.